The following is an entry in ClinVar:

NM_001177316.2(SLC34A3):c.751G>A (p.Val251Met)

Gene: SLC34A3 (solute carrier family 34 member 3; plus strand). Cytogenetic location: 9q34.3.
Variant type: single nucleotide variant.
Coding change: c.751G>A on transcript NM_001177316.2 (MANE Select); coding-DNA position 751, G replaced by A.
Protein change: p.Val251Met; replaces valine 251 with methionine.
Molecular consequence: missense variant.
Genome position (GRCh38, 1-based): chr9:137,233,399, G>A. VCF-style: chr9-137233399-G-A. GRCh37 (hg19) VCF-style: chr9-140127851-G-A.
Other names: c.751G>A (NM_080877.2); c.751G>A, p.Val251Met (NM_001177317.2, NM_080877.3); short protein forms V251M.
Identifiers: ClinVar variation 1403316 (VCV001403316.9), dbSNP rs776182012, ClinGen allele CA5364543.
Genomic context (GRCh38, chr9:137,233,399, plus strand): 5'-CCCAGGGCGCAGGCGCCCGACATCCTCAAGGTGCTGACGAAGCCGCTCACACACCTCATC[G>A]TGCAGGTGAGGACGGCCACCGCCCCCGCCCAGAGAGCCTGAGCAGGCCGGATGGGAGGAG-3'
Protein context (NP_001170787.2, residues 241-261): VLTKPLTHLI[Val251Met]QLDSDMIMSS

ClinVar aggregate classification (germline): Uncertain significance. Review status: criteria provided, multiple submitters, no conflicts (2 of 4 stars). 2 submissions from 2 submitters: Uncertain significance (2). Last evaluated 2022-10-04.

Conditions:
Inborn genetic diseases. Identifiers: MedGen C0950123, MeSH D030342.

gnomAD v4.1: 18 of 1,602,774 alleles (0.0011%); highest among the groups gnomAD compares: East Asian, 0.029%; no homozygotes.

Submissions (2):

Ambry Genetics
Classification: Uncertain significance for Inborn genetic diseases. Last evaluated: 2022-10-04. Review status: criteria provided, single submitter. Criteria: Ambry Variant Classification Scheme 2023. Collection method: clinical testing. Allele origin: germline.

Labcorp Genetics (formerly Invitae), Labcorp
Classification: Uncertain significance. Last evaluated: 2022-06-08. Review status: criteria provided, single submitter. Criteria: Invitae Variant Classification Sherloc (09022015). Collection method: clinical testing. Allele origin: germline.
Comment: In summary, the available evidence is currently insufficient to determine the role of this variant in disease. Therefore, it has been classified as a Variant of Uncertain Significance. Algorithms developed to predict the effect of missense changes on protein structure and function are either unavailable or do not agree on the potential impact of this missense change (SIFT: "Deleterious"; PolyPhen-2: "Possibly Damaging"; Align-GVGD: "Class C0"). This variant has not been reported in the literature in individuals affected with SLC34A3-related conditions. This variant is present in population databases (rs776182012, gnomAD 0.06%). This sequence change replaces valine, which is neutral and non-polar, with methionine, which is neutral and non-polar, at codon 251 of the SLC34A3 protein (p.Val251Met).